The following is an entry in ClinVar:

ClinVar aggregate classification (germline): Conflicting classifications of pathogenicity. Review status: criteria provided, conflicting classifications (1 of 4 stars). 5 submissions from 5 submitters: Uncertain significance (1); Benign (1); Likely benign (3). Last evaluated 2025-09-21.

Conditions:
Hereditary nonpolyposis colorectal neoplasms. Identifiers: MedGen C0009405, MeSH D003123.
Hereditary cancer-predisposing syndrome. Also called: Neoplastic Syndromes, Hereditary; Tumor predisposition; Hereditary Cancer Syndrome; Hereditary neoplastic syndrome. Identifiers: Orphanet 140162, MedGen C0027672, MeSH D009386, MONDO:0015356.
Lynch syndrome 5 (LYNCH5). Also called: Colorectal cancer, hereditary nonpolyposis, type 5; Hereditary non-polyposis colorectal cancer, type 5. Identifiers: Orphanet 144, MedGen C1833477, MONDO:0013710, OMIM 614350. Disease mechanism: loss of function.

Allele frequency attached by ClinVar (database versions not stated): gnomAD below 0.00001 and 0.00001; TOPMed below 0.00001; gnomAD exomes 0.00001 and 0.00002; ExAC 0.00002.
gnomAD v4.1: 6 of 1,613,932 alleles (0.00037%); highest among the groups gnomAD compares: East Asian, 0.0045%; no homozygotes.

Submissions (5):

Labcorp Genetics (formerly Invitae), Labcorp
Classification: Likely benign for Hereditary nonpolyposis colorectal neoplasms. Last evaluated: 2025-09-21. Review status: criteria provided, single submitter. Criteria: Invitae Variant Classification Sherloc (09022015). Collection method: clinical testing. Allele origin: germline.

Myriad Genetics, Inc.
Classification: Benign for Lynch syndrome 5. Last evaluated: 2024-12-30. Review status: criteria provided, single submitter. Criteria: Myriad Autosomal Dominant, Autosomal Recessive and X-Linked Classification Criteria (2023). Collection method: clinical testing. Allele origin: unknown.
Comment: This variant is considered benign. This variant is a silent/synonymous amino acid change and it is not expected to impact splicing.

Quest Diagnostics Nichols Institute San Juan Capistrano
Classification: Uncertain significance. Last evaluated: 2021-07-15. Review status: criteria provided, single submitter. Criteria: Quest Diagnostics criteria. Collection method: clinical testing. Allele origin: unknown.

Ambry Genetics
Classification: Likely benign for Hereditary cancer-predisposing syndrome. Last evaluated: 2017-06-19. Review status: criteria provided, single submitter. Criteria: Ambry Variant Classification Scheme 2023. Collection method: clinical testing. Allele origin: germline.

Color Diagnostics, LLC DBA Color Health
Classification: Likely benign for Hereditary cancer-predisposing syndrome. Last evaluated: 2017-03-13. Review status: criteria provided, single submitter. Criteria: ACMG Guidelines, 2015. Collection method: clinical testing. Allele origin: germline.

NM_000179.3(MSH6):c.2070C>T (p.Tyr690=)

Gene: MSH6 (mutS homolog 6; plus strand). Cytogenetic location: 2p16.3.
Variant type: single nucleotide variant.
Coding change: c.2070C>T on transcript NM_000179.3 (MANE Select); coding-DNA position 2070, C replaced by T.
Protein change: p.Tyr690=; no amino-acid change (tyrosine 690 retained).
Molecular consequence: synonymous variant.
Genome position (GRCh38, 1-based): chr2:47,800,053, C>T. VCF-style: chr2-47800053-C-T. GRCh37 (hg19) VCF-style: chr2-48027192-C-T.
Other names: c.1680C>T, p.Tyr560= (NM_001281492.2); c.1164C>T, p.Tyr388= (NM_001281493.2, NM_001281494.2).
Identifiers: ClinVar variation 483867 (VCV000483867.18), dbSNP rs559125434, ClinGen allele CA068440.